The following is an entry in ClinVar:

NC_000002.11:g.(?_71838365)_(71840553_?)del

Gene: DYSF (dysferlin; plus strand). Cytogenetic location: 2p13.2.
Variant type: Deletion.
Identifiers: ClinVar variation 2424693 (VCV002424693.3).

ClinVar aggregate classification (germline): Pathogenic (1 of 4 stars; one submission).

Conditions:
Neuromuscular disease caused by qualitative or quantitative defects of dysferlin. Also called: Dysferlinopathy; Qualitative or quantitative defects of dysferlin. Identifiers: Orphanet 207073, MedGen C2931687, MONDO:0016145.

Submission:

Labcorp Genetics (formerly Invitae), Labcorp
Classification: Pathogenic for Neuromuscular disease caused by qualitative or quantitative defects of dysferlin. Last evaluated: 2022-02-06. Review status: criteria provided, single submitter. Criteria: Invitae Variant Classification Sherloc (09022015). Collection method: clinical testing. Allele origin: germline.
Comment: This variant is a gross deletion of the genomic region encompassing exon(s) 37-40 of the DYSF gene. This variant would be expected to be in-frame, preserving the integrity of the reading frame. A similar copy number variant has been observed in individual(s) with limb-girdle muscular dystrophy (PMID: 23406536). This variant disrupts a region of the DYSF protein in which other variant(s) (p.Glu1335) have been determined to be pathogenic (PMID: 14678801, 21522182, 22194990). This suggests that this is a clinically significant region of the protein, and that variants that disrupt it are likely to be disease-causing. For these reasons, this variant has been classified as Pathogenic.

Literature cited by the submitters: PubMed 23406536; PubMed 14678801; PubMed 21522182; PubMed 22194990.